The following is an entry in ClinVar:

NM_001040108.2(MLH3):c.2178T>C (p.Asp726=)

Gene: MLH3 (mutL homolog 3; minus strand). Cytogenetic location: 14q24.3.
Variant type: single nucleotide variant.
Coding change: c.2178T>C on transcript NM_001040108.2 (MANE Select); coding-DNA position 2178, T replaced by C.
Protein change: p.Asp726=; no amino-acid change (aspartic acid 726 retained).
Molecular consequence: synonymous variant.
Genome position (GRCh38, 1-based): chr14:75,047,478, A>G on the plus strand (T>C on the coding strand, the complement: MLH3 is on the minus strand). VCF-style: chr14-75047478-A-G. GRCh37 (hg19) VCF-style: chr14-75514181-A-G.
Other names: c.2178T>C, p.Asp726= (NM_014381.3).
Identifiers: ClinVar variation 1787219 (VCV001787219.4), dbSNP rs368883845, ClinGen allele CA7275742.

ClinVar aggregate classification (germline): Benign/Likely benign. Review status: criteria provided, multiple submitters, no conflicts (2 of 4 stars). 3 submissions from 3 submitters: Benign (1); Likely benign (2). Last evaluated 2026-05-04.

Conditions:
Colorectal cancer, hereditary nonpolyposis, type 7. Identifiers: Orphanet 144, MedGen C1858380, MONDO:0013725, OMIM 614385.

Allele frequency attached by ClinVar (database versions not stated): gnomAD 0.00001; ESP Exome Variant Server 0.00008; gnomAD exomes below 0.00001; ExAC 0.00001.
gnomAD v4.1: 2 of 1,613,992 alleles (0.00012%); highest among the groups gnomAD compares: African/African-American, 0.0027%; no homozygotes.

Submissions (3):

Myriad Genetics, Inc.
Classification: Benign for Colorectal cancer, hereditary nonpolyposis, type 7. Last evaluated: 2026-05-04. Review status: criteria provided, single submitter. Criteria: Myriad Autosomal Dominant, Autosomal Recessive and X-Linked Classification Criteria (2023). Collection method: clinical testing. Allele origin: unknown.
Comment: This variant is considered benign. This variant is a silent/synonymous amino acid change and it is not expected to impact splicing.

Labcorp Genetics (formerly Invitae), Labcorp
Classification: Likely benign for Colorectal cancer, hereditary nonpolyposis, type 7. Last evaluated: 2025-11-05. Review status: criteria provided, single submitter. Criteria: Invitae Variant Classification Sherloc (09022015). Collection method: clinical testing. Allele origin: germline.

Ambry Genetics
Classification: Likely benign. Last evaluated: 2019-07-18. Review status: criteria provided, single submitter. Criteria: Ambry Variant Classification Scheme 2023. Collection method: clinical testing. Allele origin: germline.